The following is an entry in ClinVar:

ClinVar aggregate classification (germline): Uncertain significance (1 of 4 stars; one submission).

gnomAD v4.1: 4 of 1,613,774 alleles (0.00025%); highest among the groups gnomAD compares: Admixed American, 0.0033%; no homozygotes.

Submission:

Labcorp Genetics (formerly Invitae), Labcorp
Classification: Uncertain significance. Last evaluated: 2025-08-29. Review status: criteria provided, single submitter. Criteria: Invitae Variant Classification Sherloc (09022015). Collection method: clinical testing. Allele origin: germline.
Comment: This sequence change replaces arginine, which is basic and polar, with serine, which is neutral and polar, at codon 455 of the MCM5 protein (p.Arg455Ser). This variant is not present in population databases (gnomAD no frequency). This variant has not been reported in the literature in individuals affected with MCM5-related conditions. Invitae Evidence Modeling of protein sequence and biophysical properties (such as structural, functional, and spatial information, amino acid conservation, physicochemical variation, residue mobility, and thermodynamic stability) indicates that this missense variant is expected to disrupt MCM5 protein function with a positive predictive value of 80%. In summary, the available evidence is currently insufficient to determine the role of this variant in disease. Therefore, it has been classified as a Variant of Uncertain Significance.

NM_006739.4(MCM5):c.1363C>A (p.Arg455Ser)

Gene: MCM5 (minichromosome maintenance complex component 5; plus strand). Cytogenetic location: 22q12.3.
Variant type: single nucleotide variant.
Coding change: c.1363C>A on transcript NM_006739.4 (MANE Select); coding-DNA position 1363, C replaced by A.
Protein change: p.Arg455Ser; replaces arginine 455 with serine.
Molecular consequence: missense variant.
Genome position (GRCh38, 1-based): chr22:35,416,354, C>A. VCF-style: chr22-35416354-C-A. GRCh37 (hg19) VCF-style: chr22-35812347-C-A.
Other names: short protein forms R455S.
Identifiers: ClinVar variation 4697403 (VCV004697403.1).
Genomic context (GRCh38, chr22:35,416,354, plus strand): 5'-CCTCACTTCAGTAGGTCTGATGATATTTCTCTCTTCCCCACTTAGATGCGAGAAGATGAC[C>A]GTGTGGCAATCCACGAAGCCATGGAGCAGCAGACCATCTCTATCGCCAAGGTGAGTGGCC-3'
Protein context (NP_006730.2, residues 445-465): DEFDKMREDD[Arg455Ser]VAIHEAMEQQ